The following is an entry in ClinVar:

ClinVar aggregate classification (germline): Uncertain significance. Review status: criteria provided, multiple submitters, no conflicts (2 of 4 stars). 5 submissions from 5 submitters: Uncertain significance (4). 1 of the submissions does not count toward it. Last evaluated 2025-12-09.

Conditions:
Fanconi anemia complementation group J. Also called: BRIP1-Related Fanconi Anemia. Identifiers: Orphanet 84, MedGen C1836860, MONDO:0012187, OMIM 609054.
Ovarian cancer. Also called: OVARIAN CANCER, SOMATIC. Identifiers: Orphanet 213500, MedGen C1140680, MONDO:0008170, OMIM 167000.
Hereditary cancer-predisposing syndrome. Also called: Tumor predisposition; Hereditary Cancer Syndrome; Neoplastic Syndromes, Hereditary; Hereditary neoplastic syndrome. Identifiers: Orphanet 140162, MedGen C0027672, MeSH D009386, MONDO:0015356.
Familial cancer of breast. Also called: Hereditary breast cancer; hereditary breast carcinoma; BREAST CANCER, FAMILIAL. Identifiers: Orphanet 227535, MedGen C0346153, MONDO:0016419, OMIM 114480. Disease mechanism: loss of function.

Allele frequency attached by ClinVar (database versions not stated): gnomAD exomes below 0.00001.

Submissions (5):

Color Diagnostics, LLC DBA Color Health
Classification: Uncertain significance for Hereditary cancer-predisposing syndrome. Last evaluated: 2025-12-09. Review status: criteria provided, single submitter. Criteria: ACMG Guidelines, 2015. Collection method: clinical testing. Allele origin: germline.
Comment: This variant causes the deletion of a single asparagine amino acid at codon 568 in the BRIP1 protein. To our knowledge, functional studies have not been reported for this variant. This variant has not been reported in individuals affected with BRIP1-related disorders in the literature. This variant has been identified in 1/1614034 chromosomes in the general population by the Genome Aggregation Database (gnomAD). The available evidence is insufficient to determine the role of this variant in disease conclusively. Therefore, this variant is classified as a Variant of Uncertain Significance.

Ambry Genetics
Classification: Uncertain significance for Hereditary cancer-predisposing syndrome. Last evaluated: 2023-09-29. Review status: criteria provided, single submitter. Criteria: Ambry Variant Classification Scheme 2023. Collection method: clinical testing. Allele origin: germline.
Comment: The c.1702_1704delAAT variant (also known as p.N568del) is located in coding exon 11 of the BRIP1 gene. This variant results from an in-frame AAT deletion at nucleotide positions 1702 to 1704. This results in the in-frame deletion of an asparagine at codon 568. This amino acid position is not well conserved in available vertebrate species. In addition, the in silico prediction for this alteration is inconclusive (Choi Y et al. PLoS ONE. 2012; 7(10):e46688). Since supporting evidence is limited at this time, the clinical significance of this alteration remains unclear.

Myriad Genetics, Inc.
Classification: Uncertain significance for Familial cancer of breast. Last evaluated: 2023-02-27. Review status: criteria provided, single submitter. Criteria: Myriad Autosomal Dominant, Autosomal Recessive and X-Linked Classification Criteria (2023). Collection method: clinical testing. Allele origin: unknown.
Comment: This variant is classified as a variant of uncertain significance as there is insufficient evidence to determine its impact on protein function and/or cancer risk.

GeneDx
Classification: Uncertain significance. Last evaluated: 2017-05-04. Review status: criteria provided, single submitter. Criteria: GeneDx Variant Classification (06012015). Collection method: clinical testing. Allele origin: germline. Affected: yes.
Comment: This in-frame deletion of three nucleotides in BRIP1 is denoted c.1702_1704delAAT at the cDNA level and p.Asn568del (N568del) at the protein level. The normal sequence, with the bases that are deleted in brackets, is CAAA[delAAT]GGGT. This deletion occurs at an amino acid that is not conserved and is not located in a known functional domain. This variant has not, to our knowledge, been published in the literature as pathogenic or benign. Since in-frame deletions may or may not inhibit proper protein functioning, the clinical significance of this finding remains unclear at this time and we consider BRIP1 Asn568del to be a variant of uncertain significance.

Counsyl
Classification: Uncertain significance for Fanconi anemia complementation group J; Ovarian cancer. Last evaluated: 2017-02-23. Review status: no assertion criteria provided. Collection method: clinical testing. Allele origin: unknown. Not counted in ClinVar's aggregate classification.

NM_032043.3(BRIP1):c.1702_1704del (p.Asn568del)

Gene: BRIP1 (BRCA1 interacting DNA helicase 1; minus strand). Cytogenetic location: 17q23.2.
Variant type: Deletion.
Coding change: c.1702_1704del on transcript NM_032043.3 (MANE Select); coding-DNA positions 1702 to 1704, 3 bases deleted (AAT; older notation c.1702_1704delAAT).
Protein change: p.Asn568del; deletes asparagine 568.
Molecular consequence: inframe deletion.
Genome position (GRCh38, 1-based): chr17:61,780,930-61,780,932, ATT deleted on the plus strand (AAT on the coding strand, the reverse complement: BRIP1 is on the minus strand). VCF-style (leftmost placement, unchanged base first): chr17-61780929-CATT-C. GRCh37 (hg19) VCF-style: chr17-59858290-CATT-C.
Other names: c.1702_1704delAAT (NM_032043.2); short protein forms N568del.
Identifiers: ClinVar variation 449972 (VCV000449972.7), dbSNP rs1555602554, ClinGen allele CA658658672.